The following is an entry in ClinVar:

NM_005525.4(HSD11B1):c.744G>C (p.Gly248=)

Genes: HSD11B1 (hydroxysteroid 11-beta dehydrogenase 1; plus strand), HSD11B1-AS1 (HSD11B1 antisense RNA 1; minus strand). Cytogenetic location: 1q32.2.
Variant type: single nucleotide variant.
Coding change: c.744G>C on transcript NM_005525.4 (MANE Select); coding-DNA position 744, G replaced by C.
Protein change: p.Gly248=; no amino-acid change (glycine 248 retained).
Molecular consequence: synonymous variant.
Genome position (GRCh38, 1-based): chr1:209,734,386, G>C. VCF-style: chr1-209734386-G-C. GRCh37 (hg19) VCF-style: chr1-209907731-G-C.
Other names: c.744G>C, p.Gly248= (NM_001206741.2, NM_181755.3).
Identifiers: ClinVar variation 435467 (VCV000435467.13), dbSNP rs41283132, ClinGen allele CA1376438.

ClinVar aggregate classification (germline): Benign/Likely benign. Review status: criteria provided, multiple submitters, no conflicts (2 of 4 stars). 4 submissions from 4 submitters: Benign (1); Likely benign (2). 1 of the submissions does not count toward it. Last evaluated 2019-12-31.

Conditions:
HSD11B1-related disorder. Also called: HSD11B1-related condition.

Allele frequency attached by ClinVar (database versions not stated): 1000 Genomes Project 0.00080; 1000 Genomes Project 30x 0.00109; gnomAD 0.00210; ExAC 0.00254; ESP Exome Variant Server 0.00292; TOPMed 0.00299.
gnomAD v4.1: 7,374 of 1,614,094 alleles (0.46%); highest among the groups gnomAD compares: Non-Finnish European, 0.57%; 25 homozygotes.

Submissions (4):

Labcorp Genetics (formerly Invitae), Labcorp
Classification: Benign. Last evaluated: 2019-12-31. Review status: criteria provided, single submitter. Criteria: Invitae Variant Classification Sherloc (09022015). Collection method: clinical testing. Allele origin: germline.

Genetic Services Laboratory, University of Chicago
Classification: Likely benign. Last evaluated: 2016-02-25. Review status: criteria provided, single submitter. Criteria: ACMG Guidelines, 2015. Collection method: clinical testing. Allele origin: germline. Affected: no.

Breakthrough Genomics
Classification: Likely benign. Review status: criteria provided, single submitter. Criteria: ACMG Guidelines, 2015. Collection method: not provided. Allele origin: germline. Inheritance: Autosomal dominant inheritance. Affected: yes.

PreventionGenetics, part of Exact Sciences
Classification: Likely benign for HSD11B1-related condition. Last evaluated: 2019-03-06. Review status: no assertion criteria provided. Collection method: clinical testing. Allele origin: germline. Not counted in ClinVar's aggregate classification.
Comment: This variant is classified as likely benign based on ACMG/AMP sequence variant interpretation guidelines (Richards et al. 2015 PMID: 25741868, with internal and published modifications).